The following is an entry in ClinVar:

ClinVar aggregate classification (germline): Uncertain significance. Review status: criteria provided, multiple submitters, no conflicts (2 of 4 stars). 2 submissions from 2 submitters: Uncertain significance (2). Last evaluated 2025-06-03.

Conditions:
Inborn genetic diseases. Identifiers: MedGen C0950123, MeSH D030342.

Allele frequency attached by ClinVar (database versions not stated): gnomAD 0.00005; gnomAD exomes 0.00005; ESP Exome Variant Server 0.00008; ExAC 0.00005; TOPMed 0.00009.
gnomAD v4.1: 83 of 1,611,120 alleles (0.0052%); highest among the groups gnomAD compares: Non-Finnish European, 0.0064%; no homozygotes.

Submissions (2):

Women's Health and Genetics/Laboratory Corporation of America, LabCorp
Classification: Uncertain significance. Last evaluated: 2025-06-03. Review status: criteria provided, single submitter. Criteria: LabCorp Variant Classification Summary - May 2015. Collection method: clinical testing. Allele origin: germline.
Comment: Variant summary: HERC2 c.3308T>C (p.Ile1103Thr) results in a non-conservative amino acid change in the encoded protein sequence. Algorithms developed to predict the effect of missense changes on protein structure and function are either unavailable or do not agree on the potential impact of this missense change. The variant allele was found at a frequency of 4e-05 in 247532 control chromosomes. This frequency is not significantly higher than estimated for a pathogenic variant in HERC2 causing Intellectual Developmental Disorder, Autosomal Recessive 38, allowing no conclusion about variant significance. To our knowledge, no occurrence of c.3308T>C in individuals affected with Intellectual Developmental Disorder, Autosomal Recessive 38 and no experimental evidence demonstrating its impact on protein function have been reported. ClinVar contains an entry for this variant (Variation ID: 2380179). Based on the evidence outlined above, the variant was classified as uncertain significance.

Ambry Genetics
Classification: Uncertain significance for Inborn genetic diseases. Last evaluated: 2021-07-09. Review status: criteria provided, single submitter. Criteria: Ambry Variant Classification Scheme 2023. Collection method: clinical testing. Allele origin: germline.

NM_004667.6(HERC2):c.3308T>C (p.Ile1103Thr)

Gene: HERC2 (HECT and RLD domain containing E3 ubiquitin protein ligase 2; minus strand). Cytogenetic location: 15q13.1.
Variant type: single nucleotide variant.
Coding change: c.3308T>C on transcript NM_004667.6 (MANE Select); coding-DNA position 3308, T replaced by C.
Protein change: p.Ile1103Thr; replaces isoleucine 1103 with threonine.
Molecular consequence: missense variant.
Genome position (GRCh38, 1-based): chr15:28,246,825, A>G on the plus strand (T>C on the coding strand, the complement: HERC2 is on the minus strand). VCF-style: chr15-28246825-A-G. GRCh37 (hg19) VCF-style: chr15-28491971-A-G.
Other names: short protein forms I1103T.
Identifiers: ClinVar variation 2380179 (VCV002380179.3), dbSNP rs372777009, ClinGen allele CA7442936.
Genomic context (GRCh38, chr15:28,246,825, plus strand): 5'-TAAGCCACCTCCGCGAAGTGCCGCCAGCTGGTAGAAGCAATGCTGGCGGCCACAGGCAGT[A>G]TATCTCCAATGTGCGTGCACAGGAGGGCTGTGTACTTCTTCAGCAAGGAACCAACACCCA-3'
Protein context (NP_004658.3, residues 1093-1113): TALLCTHIGD[Ile1103Thr]LPVAASIAST